The following is an entry in ClinVar:

ClinVar aggregate classification (germline): Uncertain significance (1 of 4 stars; one submission).

Allele frequency attached by ClinVar (database versions not stated): gnomAD exomes 0.00001.
gnomAD v4.1: 5 of 1,584,686 alleles (0.00032%); highest among the groups gnomAD compares: Admixed American, 0.0091%; no homozygotes.

Submission:

Labcorp Genetics (formerly Invitae), Labcorp
Classification: Uncertain significance. Last evaluated: 2025-04-20. Review status: criteria provided, single submitter. Criteria: Invitae Variant Classification Sherloc (09022015). Collection method: clinical testing. Allele origin: germline.
Comment: This sequence change replaces histidine, which is basic and polar, with leucine, which is neutral and non-polar, at codon 598 of the CSF2RB protein (p.His598Leu). This variant is not present in population databases (gnomAD no frequency). This variant has not been reported in the literature in individuals affected with CSF2RB-related conditions. ClinVar contains an entry for this variant (Variation ID: 1515296). Invitae Evidence Modeling of protein sequence and biophysical properties (such as structural, functional, and spatial information, amino acid conservation, physicochemical variation, residue mobility, and thermodynamic stability) indicates that this missense variant is expected to disrupt CSF2RB protein function with a positive predictive value of 80%. In summary, the available evidence is currently insufficient to determine the role of this variant in disease. Therefore, it has been classified as a Variant of Uncertain Significance.

NM_000395.3(CSF2RB):c.1793A>T (p.His598Leu)

Gene: CSF2RB (colony stimulating factor 2 receptor subunit beta; plus strand). Cytogenetic location: 22q12.3.
Variant type: single nucleotide variant.
Coding change: c.1793A>T on transcript NM_000395.3 (MANE Select); coding-DNA position 1793, A replaced by T.
Protein change: p.His598Leu; replaces histidine 598 with leucine.
Molecular consequence: missense variant.
Genome position (GRCh38, 1-based): chr22:36,937,601, A>T. VCF-style: chr22-36937601-A-T. GRCh37 (hg19) VCF-style: chr22-37333643-A-T.
Other names: short protein forms H598L.
Identifiers: ClinVar variation 1515296 (VCV001515296.8), dbSNP rs75573484, ClinGen allele CA411410198.